The following is an entry in ClinVar:

ClinVar aggregate classification (germline): Uncertain significance. Review status: criteria provided, multiple submitters, no conflicts (2 of 4 stars). 4 submissions from 4 submitters: Uncertain significance (4). Last evaluated 2024-03-13.

Conditions:
Spastic ataxia 2. Also called: Ataxia, spastic, 2, autosomal recessive. Identifiers: Orphanet 397946, MedGen C1969796, MONDO:0012651, OMIM 611302.
Hereditary spastic paraplegia. Also called: Familial spastic paraparesis. Identifiers: Orphanet 685, MedGen C0037773, MONDO:0019064. Disease mechanism: loss of function.

Allele frequency attached by ClinVar (database versions not stated): TOPMed 0.00010; gnomAD 0.00013 and 0.00014; ExAC 0.00028; ESP Exome Variant Server 0.00031.
gnomAD v4.1: 157 of 1,574,914 alleles (0.01%); highest among the groups gnomAD compares: African/African-American, 0.012%; no homozygotes.

Submissions (4):

Women's Health and Genetics/Laboratory Corporation of America, LabCorp
Classification: Uncertain significance. Last evaluated: 2024-03-13. Review status: criteria provided, single submitter. Criteria: LabCorp Variant Classification Summary - May 2015. Collection method: clinical testing. Allele origin: germline.
Comment: Variant summary: KIF1C c.2591G>A (p.Arg864His) results in a non-conservative amino acid change in the encoded protein sequence. Four of five in-silico tools predict a damaging effect of the variant on protein function. The frequency data for this variant in gnomAD is considered unreliable, as metrics indicate poor data quality at this position. c.2591G>A has been reported in the literature in an individuals affected with hereditary spastic paraplegia, without strong evidence for causality (Morais_2017). These report(s) do not provide unequivocal conclusions about association of the variant with Spastic Ataxia 2. To our knowledge, no experimental evidence demonstrating an impact on protein function has been reported. The following publication have been ascertained in the context of this evaluation (PMID: 28832565). ClinVar contains an entry for this variant (Variation ID: 424676). Based on the evidence outlined above, the variant was classified as uncertain significance.

CeGaT Center for Human Genetics Tuebingen
Classification: Uncertain significance. Last evaluated: 2024-01-01. Review status: criteria provided, single submitter. Criteria: CeGaT Center For Human Genetics Tuebingen Variant Classification Criteria Version 2. Collection method: clinical testing. Allele origin: germline. Affected: yes. Observed: 3 variant alleles.

Labcorp Genetics (formerly Invitae), Labcorp
Classification: Uncertain significance for Spastic ataxia 2. Last evaluated: 2022-02-18. Review status: criteria provided, single submitter. Criteria: Invitae Variant Classification Sherloc (09022015). Collection method: clinical testing. Allele origin: germline.
Comment: This sequence change replaces arginine, which is basic and polar, with histidine, which is basic and polar, at codon 864 of the KIF1C protein (p.Arg864His). The frequency data for this variant in the population databases is considered unreliable, as metrics indicate poor data quality at this position in the gnomAD database. This missense change has been observed in individual(s) with hereditary spastic paraplegia, but no second variant was identified (PMID: 28832565). ClinVar contains an entry for this variant (Variation ID: 424676). Algorithms developed to predict the effect of missense changes on protein structure and function are either unavailable or do not agree on the potential impact of this missense change (SIFT: "Deleterious"; PolyPhen-2: "Possibly Damaging"; Align-GVGD: "Class C0"). In summary, the available evidence is currently insufficient to determine the role of this variant in disease. Therefore, it has been classified as a Variant of Uncertain Significance.

Unit for Genetic & Epidemiological Research on Neurological Disorders, Instituto de Investigação e Inovação em Saúde
Classification: Uncertain significance for Hereditary spastic paraplegia. Last evaluated: 2017-03-07. Review status: criteria provided, single submitter. Criteria: Morais et al. (Eur J Hum Genet. 2017). Collection method: research. Allele origin: unknown. Affected: yes.

Literature cited by the submitters: PubMed 28832565 (cited by Women's Health and Genetics/Laboratory Corporation of America, LabCorp and Labcorp Genetics (formerly Invitae), Labcorp).

NM_006612.6(KIF1C):c.2591G>A (p.Arg864His)

Gene: KIF1C (kinesin family member 1C; plus strand). Cytogenetic location: 17p13.2.
Variant type: single nucleotide variant.
Coding change: c.2591G>A on transcript NM_006612.6 (MANE Select); coding-DNA position 2591, G replaced by A.
Protein change: p.Arg864His; replaces arginine 864 with histidine.
Molecular consequence: missense variant.
Genome position (GRCh38, 1-based): chr17:5,022,672, G>A. VCF-style: chr17-5022672-G-A. GRCh37 (hg19) VCF-style: chr17-4925967-G-A.
Other names: short protein forms R864H.
Identifiers: ClinVar variation 424676 (VCV000424676.30), dbSNP rs146628704, ClinGen allele CA8319328.